The following is an entry in ClinVar:

ClinVar aggregate classification (germline): Uncertain significance. Review status: criteria provided, multiple submitters, no conflicts (2 of 4 stars). 2 submissions from 2 submitters: Uncertain significance (2). Last evaluated 2025-08-05.

Conditions:
Inborn genetic diseases. Identifiers: MedGen C0950123, MeSH D030342.
Peroxisome biogenesis disorder. Identifiers: Orphanet 79189, MedGen C1832200, MONDO:0019234. Disease mechanism: loss of function.

Allele frequency attached by ClinVar (database versions not stated): gnomAD exomes below 0.00001.
gnomAD v4.1: 4 of 1,614,096 alleles (0.00025%); highest among the groups gnomAD compares: Non-Finnish European, 0.00034%; no homozygotes.

Submissions (2):

Ambry Genetics
Classification: Uncertain significance for Inborn genetic diseases. Last evaluated: 2025-08-05. Review status: criteria provided, single submitter. Criteria: Ambry Variant Classification Scheme 2023. Collection method: clinical testing. Allele origin: germline.

Labcorp Genetics (formerly Invitae), Labcorp
Classification: Uncertain significance for Peroxisome biogenesis disorder. Last evaluated: 2022-09-13. Review status: criteria provided, single submitter. Criteria: Invitae Variant Classification Sherloc (09022015). Collection method: clinical testing. Allele origin: germline.
Comment: This sequence change replaces arginine, which is basic and polar, with glycine, which is neutral and non-polar, at codon 929 of the PEX6 protein (p.Arg929Gly). This variant is present in population databases (no rsID available, gnomAD 0.0009%). This variant has not been reported in the literature in individuals affected with PEX6-related conditions. ClinVar contains an entry for this variant (Variation ID: 1380618). Advanced modeling of protein sequence and biophysical properties (such as structural, functional, and spatial information, amino acid conservation, physicochemical variation, residue mobility, and thermodynamic stability) performed at Invitae indicates that this missense variant is not expected to disrupt PEX6 protein function. In summary, the available evidence is currently insufficient to determine the role of this variant in disease. Therefore, it has been classified as a Variant of Uncertain Significance.

NM_000287.4(PEX6):c.2785A>G (p.Arg929Gly)

Gene: PEX6 (peroxisomal biogenesis factor 6; minus strand). Cytogenetic location: 6p21.1.
Variant type: single nucleotide variant.
Coding change: c.2785A>G on transcript NM_000287.4 (MANE Select); coding-DNA position 2785, A replaced by G.
Protein change: p.Arg929Gly; replaces arginine 929 with glycine.
Molecular consequence: missense variant. On other transcripts: non-coding transcript variant (1).
Genome position (GRCh38, 1-based): chr6:42,964,811, T>C on the plus strand (A>G on the coding strand, the complement: PEX6 is on the minus strand). VCF-style: chr6-42964811-T-C. GRCh37 (hg19) VCF-style: chr6-42932549-T-C.
Other names: c.2785A>G (NM_000287.3); c.2521A>G, p.Arg841Gly (NM_001316313.2); short protein forms R929G, R841G.
Identifiers: ClinVar variation 1380618 (VCV001380618.4), dbSNP rs1232075600, ClinGen allele CA364150144.